The following is an entry in ClinVar:

ClinVar aggregate classification (germline): Uncertain significance (1 of 4 stars; one submission).

Submission:

Labcorp Genetics (formerly Invitae), Labcorp
Classification: Uncertain significance. Last evaluated: 2024-10-30. Review status: criteria provided, single submitter. Criteria: Invitae Variant Classification Sherloc (09022015). Collection method: clinical testing. Allele origin: germline.
Comment: This sequence change replaces proline, which is neutral and non-polar, with leucine, which is neutral and non-polar, at codon 493 of the NEDD4L protein (p.Pro493Leu). This variant is not present in population databases (gnomAD no frequency). This variant has not been reported in the literature in individuals affected with NEDD4L-related conditions. ClinVar contains an entry for this variant (Variation ID: 1058427). Invitae Evidence Modeling of protein sequence and biophysical properties (such as structural, functional, and spatial information, amino acid conservation, physicochemical variation, residue mobility, and thermodynamic stability) indicates that this missense variant is not expected to disrupt NEDD4L protein function with a negative predictive value of 80%. In summary, the available evidence is currently insufficient to determine the role of this variant in disease. Therefore, it has been classified as a Variant of Uncertain Significance.

NM_001144967.3(NEDD4L):c.1538C>T (p.Pro513Leu)

Gene: NEDD4L (NEDD4 like E3 ubiquitin protein ligase; plus strand). Cytogenetic location: 18q21.31.
Variant type: single nucleotide variant.
Coding change: c.1538C>T on transcript NM_001144967.3 (MANE Select); coding-DNA position 1538, C replaced by T.
Protein change: p.Pro513Leu; replaces proline 513 with leucine.
Molecular consequence: missense variant.
Genome position (GRCh38, 1-based): chr18:58,343,066, C>T. VCF-style: chr18-58343066-C-T. GRCh37 (hg19) VCF-style: chr18-56010298-C-T.
Other names: c.1175C>T, p.Pro392Leu (NM_001144964.1, NM_001144965.2, NM_001144966.3); c.1514C>T, p.Pro505Leu (NM_001144968.2); c.1454C>T, p.Pro485Leu (NM_001144969.2); c.1115C>T, p.Pro372Leu (NM_001144970.3, NM_001144971.2); c.1346C>T, p.Pro449Leu (NM_001243960.2); c.1478C>T, p.Pro493Leu (NM_015277.6); short protein forms P372L, P392L, P449L, P485L, P493L, P505L, P513L.
Identifiers: ClinVar variation 1058427 (VCV001058427.9), dbSNP rs2145242918, ClinGen allele CA402537528.